The following is an entry in ClinVar:

ClinVar aggregate classification (germline): Uncertain significance. Review status: criteria provided, multiple submitters, no conflicts (2 of 4 stars). 2 submissions from 2 submitters: Uncertain significance (2). Last evaluated 2025-02-03.

Conditions:
Hypoparathyroidism, familial isolated, 2. Identifiers: MedGen C5394383, MONDO:0020798, OMIM 618883.
Hyperparathyroidism 4 (HRPT4). Identifiers: MedGen C4479229, MONDO:0024570, OMIM 617343.

gnomAD v4.1: 11 of 1,614,024 alleles (0.00068%); highest among the groups gnomAD compares: Middle Eastern, 0.016%; no homozygotes.

Submissions (2):

Labcorp Genetics (formerly Invitae), Labcorp
Classification: Uncertain significance. Last evaluated: 2025-02-03. Review status: criteria provided, single submitter. Criteria: Invitae Variant Classification Sherloc (09022015). Collection method: clinical testing. Allele origin: germline.
Comment: This sequence change replaces phenylalanine, which is neutral and non-polar, with serine, which is neutral and polar, at codon 182 of the GCM2 protein (p.Phe182Ser). This variant is present in population databases (rs547159903, gnomAD 0.008%). This variant has not been reported in the literature in individuals affected with GCM2-related conditions. Invitae Evidence Modeling of protein sequence and biophysical properties (such as structural, functional, and spatial information, amino acid conservation, physicochemical variation, residue mobility, and thermodynamic stability) indicates that this missense variant is not expected to disrupt GCM2 protein function with a negative predictive value of 80%. In summary, the available evidence is currently insufficient to determine the role of this variant in disease. Therefore, it has been classified as a Variant of Uncertain Significance.

Fulgent Genetics
Classification: Uncertain significance for Hyperparathyroidism 4; Hypoparathyroidism, familial isolated, 2. Last evaluated: 2024-04-10. Review status: criteria provided, single submitter. Criteria: ACMG Guidelines, 2015. Collection method: clinical testing. Allele origin: germline.

NM_004752.4(GCM2):c.545T>C (p.Phe182Ser)

Gene: GCM2 (glial cells missing transcription factor 2; minus strand). Cytogenetic location: 6p24.2.
Variant type: single nucleotide variant.
Coding change: c.545T>C on transcript NM_004752.4 (MANE Select); coding-DNA position 545, T replaced by C.
Protein change: p.Phe182Ser; replaces phenylalanine 182 with serine.
Molecular consequence: missense variant.
Genome position (GRCh38, 1-based): chr6:10,875,928, A>G on the plus strand (T>C on the coding strand, the complement: GCM2 is on the minus strand). VCF-style: chr6-10875928-A-G. GRCh37 (hg19) VCF-style: chr6-10876161-A-G.
Other names: short protein forms F182S.
Identifiers: ClinVar variation 3592970 (VCV003592970.3).